The following is an entry in ClinVar:

ClinVar aggregate classification (germline): Uncertain significance (0 of 4 stars; one submission).

Conditions:
KMT2E-related disorder. Also called: KMT2E-related condition.

Submission:

PreventionGenetics, part of Exact Sciences
Classification: Uncertain significance for KMT2E-related condition. Last evaluated: 2024-06-26. Review status: no assertion criteria provided. Collection method: clinical testing. Allele origin: germline.
Comment: The KMT2E c.3210C>A variant is predicted to result in the amino acid substitution p.Ser1070Arg. To our knowledge, this variant has not been reported in the literature or in a large population database, indicating this variant is rare. At this time, the clinical significance of this variant is uncertain due to the absence of conclusive functional and genetic evidence.

NM_182931.3(KMT2E):c.3210C>A (p.Ser1070Arg)

Gene: KMT2E (lysine methyltransferase 2E (inactive); plus strand). Cytogenetic location: 7q22.3.
Variant type: single nucleotide variant.
Coding change: c.3210C>A on transcript NM_182931.3 (MANE Select); coding-DNA position 3210, C replaced by A.
Protein change: p.Ser1070Arg; replaces serine 1070 with arginine.
Molecular consequence: missense variant.
Genome position (GRCh38, 1-based): chr7:105,107,667, C>A. VCF-style: chr7-105107667-C-A. GRCh37 (hg19) VCF-style: chr7-104748114-C-A.
Other names: c.3210C>A, p.Ser1070Arg (NM_001410908.1, NM_018682.4); short protein forms S1070R.
Identifiers: ClinVar variation 3346084 (VCV003346084.1).